The following is an entry in ClinVar:

ClinVar aggregate classification (germline): Likely benign (1 of 4 stars; one submission).

gnomAD v4.1: 2 of 1,613,952 alleles (0.00012%); highest among the groups gnomAD compares: South Asian, 0.0022%; no homozygotes.

Submission:

CeGaT Center for Human Genetics Tuebingen
Classification: Likely benign. Last evaluated: 2025-02-01. Review status: criteria provided, single submitter. Criteria: CeGaT Center For Human Genetics Tuebingen Variant Classification Criteria Version 2. Collection method: clinical testing. Allele origin: germline. Affected: yes. Observed: 1 variant allele.
Comment: NOD2: BP4, BP7

NM_001370466.1(NOD2):c.2262C>T (p.Ala754=)

Gene: NOD2 (nucleotide binding oligomerization domain containing 2; plus strand). Cytogenetic location: 16q12.1.
Variant type: single nucleotide variant.
Coding change: c.2262C>T on transcript NM_001370466.1 (MANE Select); coding-DNA position 2262, C replaced by T.
Protein change: p.Ala754=; no amino-acid change (alanine 754 retained).
Molecular consequence: synonymous variant. On other transcripts: non-coding transcript variant (1).
Genome position (GRCh38, 1-based): chr16:50,712,254, C>T. VCF-style: chr16-50712254-C-T. GRCh37 (hg19) VCF-style: chr16-50746165-C-T.
Other names: c.2262C>T, p.Ala754= (NM_001293557.2); c.2343C>T, p.Ala781= (NM_022162.3).
Identifiers: ClinVar variation 3771850 (VCV003771850.13).
Genomic context (GRCh38, chr16:50,712,254, plus strand): 5'-CCTGAATGTTGGGCACCTCAAGTTGACATTTTGCAGTGTGGGCCCCACTGAGTGTGCTGC[C>T]CTGGCCTTTGTGCTGCAGCACCTCCGGCGGCCCGTGGCCCTGCAGCTGGACTACAACTCT-3'
Protein context (NP_001357395.1, residues 744-764): FCSVGPTECA[Ala754=]LAFVLQHLRR